The following is an entry in ClinVar:

ClinVar aggregate classification (germline): Benign/Likely benign. Review status: criteria provided, multiple submitters, no conflicts (2 of 4 stars). 3 submissions from 3 submitters: Benign (1); Likely benign (2). Last evaluated 2025-01-09.

Conditions:
Hereditary cancer-predisposing syndrome. Also called: Neoplastic Syndromes, Hereditary; Tumor predisposition; Hereditary Cancer Syndrome; Hereditary neoplastic syndrome. Identifiers: Orphanet 140162, MedGen C0027672, MeSH D009386, MONDO:0015356.
Familial cancer of breast. Also called: BREAST CANCER, FAMILIAL; Hereditary breast cancer; hereditary breast carcinoma. Identifiers: Orphanet 227535, MedGen C0346153, MONDO:0016419, OMIM 114480. Disease mechanism: loss of function.

Allele frequency attached by ClinVar (database versions not stated): TOPMed below 0.00001.

Submissions (3):

Myriad Genetics, Inc.
Classification: Benign for Familial cancer of breast. Last evaluated: 2025-01-09. Review status: criteria provided, single submitter. Criteria: Myriad Autosomal Dominant, Autosomal Recessive and X-Linked Classification Criteria (2023). Collection method: clinical testing. Allele origin: unknown.
Comment: This variant is considered benign. This variant is a silent/synonymous amino acid change and it is not expected to impact splicing.

Labcorp Genetics (formerly Invitae), Labcorp
Classification: Likely benign for Familial cancer of breast. Last evaluated: 2022-10-03. Review status: criteria provided, single submitter. Criteria: Invitae Variant Classification Sherloc (09022015). Collection method: clinical testing. Allele origin: germline.

Ambry Genetics
Classification: Likely benign for Hereditary cancer-predisposing syndrome. Last evaluated: 2019-09-14. Review status: criteria provided, single submitter. Criteria: Ambry Variant Classification Scheme 2023. Collection method: clinical testing. Allele origin: germline.

NM_024675.4(PALB2):c.15C>G (p.Pro5=)

Gene: PALB2 (partner and localizer of BRCA2; minus strand). Cytogenetic location: 16p12.2.
Variant type: single nucleotide variant.
Coding change: c.15C>G on transcript NM_024675.4 (MANE Select); coding-DNA position 15, C replaced by G.
Protein change: p.Pro5=; no amino-acid change (proline 5 retained).
Molecular consequence: synonymous variant.
Genome position (GRCh38, 1-based): chr16:23,641,143, G>C on the plus strand (C>G on the coding strand, the complement: PALB2 is on the minus strand). VCF-style: chr16-23641143-G-C. GRCh37 (hg19) VCF-style: chr16-23652464-G-C.
Identifiers: ClinVar variation 819611 (VCV000819611.10), dbSNP rs876658438, ClinGen allele CA494168487.
Genomic context (GRCh38, chr16:23,641,143, plus strand): 5'-CGTCCGCCCTTCCCGCACCCCCGGCACCTTTTCCTTCTCCTCACAGCTGAGGGGCTTCCC[G>C]GGAGGCTCGTCCATCGGGCAGGCGACAGAACGAAAAGAGCAGCCGTCGCCGACCCCAGGC-3'
Protein context (NP_078951.2, residues 1-15): MDEP[Pro5=]GKPLSCEEKE